The following is an entry in ClinVar:

ClinVar aggregate classification (germline): Uncertain significance. Review status: criteria provided, multiple submitters, no conflicts (2 of 4 stars). 4 submissions from 4 submitters: Uncertain significance (4). Last evaluated 2025-06-12.

Conditions:
Catecholaminergic polymorphic ventricular tachycardia 1. Also called: RYR2-Related Catecholaminergic Polymorphic Ventricular Tachycardia; VENTRICULAR TACHYCARDIA, CATECHOLAMINERGIC POLYMORPHIC, 1, WITH OR WITHOUT ATRIAL DYSFUNCTION AND/OR DILATED CARDIOMYOPATHY; VENTRICULAR TACHYCARDIA, STRESS-INDUCED POLYMORPHIC 1. Identifiers: Orphanet 3286, MedGen C1631597, MONDO:0011484, OMIM 604772.
Catecholaminergic polymorphic ventricular tachycardia (CVPT). Also called: Catecholamine-induced polymorphic ventricular tachycardia. Identifiers: Orphanet 3286, MedGen C5574922, MONDO:0017990.
Cardiovascular phenotype. Identifiers: MedGen CN230736.

gnomAD v4.1: 1 of 1,614,028 alleles (0.000062%); highest among the groups gnomAD compares: African/African-American, 0.0013%; no homozygotes.

Submissions (4):

Labcorp Genetics (formerly Invitae), Labcorp
Classification: Uncertain significance for Catecholaminergic polymorphic ventricular tachycardia 1. Last evaluated: 2025-06-12. Review status: criteria provided, single submitter. Criteria: Invitae Variant Classification Sherloc (09022015). Collection method: clinical testing. Allele origin: germline.
Comment: This sequence change replaces tyrosine, which is neutral and polar, with aspartic acid, which is acidic and polar, at codon 1778 of the RYR2 protein (p.Tyr1778Asp). This variant is not present in population databases (gnomAD no frequency). This variant has not been reported in the literature in individuals affected with RYR2-related conditions. ClinVar contains an entry for this variant (Variation ID: 1216504). Invitae Evidence Modeling of protein sequence and biophysical properties (such as structural, functional, and spatial information, amino acid conservation, physicochemical variation, residue mobility, and thermodynamic stability) indicates that this missense variant is not expected to disrupt RYR2 protein function with a negative predictive value of 95%. In summary, the available evidence is currently insufficient to determine the role of this variant in disease. Therefore, it has been classified as a Variant of Uncertain Significance.

Ambry Genetics
Classification: Uncertain significance for Cardiovascular phenotype. Last evaluated: 2024-10-09. Review status: criteria provided, single submitter. Criteria: Ambry Variant Classification Scheme 2023. Collection method: clinical testing. Allele origin: germline.
Comment: The p.Y1778D variant (also known as c.5332T>G), located in coding exon 37 of the RYR2 gene, results from a T to G substitution at nucleotide position 5332. The tyrosine at codon 1778 is replaced by aspartic acid, an amino acid with highly dissimilar properties. This amino acid position is not well conserved in available vertebrate species. In addition, this alteration is predicted to be tolerated by in silico analysis. Based on the available evidence, the clinical significance of this variant remains unclear.

All of Us Research Program, National Institutes of Health
Classification: Uncertain significance for Catecholaminergic polymorphic ventricular tachycardia. Last evaluated: 2023-08-15. Review status: criteria provided, single submitter. Criteria: ACMG Guidelines, 2015. Collection method: clinical testing. Allele origin: germline. Inheritance: Autosomal dominant inheritance. Observed: 1 variant allele, 1 heterozygote.
Comment: This missense variant replaces tyrosine with aspartic acid at codon 1778 of the RYR2 protein. Computational prediction suggests that this variant may not impact protein structure and function (internally defined REVEL score threshold <= 0.5, PMID: 27666373). To our knowledge, functional studies have not been reported for this variant. This variant has not been reported in individuals affected with RYR2-related disorders in the literature. This variant has not been identified in the general population by the Genome Aggregation Database (gnomAD). The available evidence is insufficient to determine the role of this variant in disease conclusively. Therefore, this variant is classified as a Variant of Uncertain Significance.

This study involves interpretation of variants in research participants for the purpose of population health screening. Participant phenotype was not available at the time of variant classification. Additional details can be found in publication PMID: 35346344, PMCID: PMC8962531

GeneDx
Classification: Uncertain significance. Last evaluated: 2019-03-08. Review status: criteria provided, single submitter. Criteria: GeneDx Variant Classification Process June 2021. Collection method: clinical testing. Allele origin: germline. Affected: yes.
Comment: Not observed in large population cohorts (Lek et al., 2016); In silico analysis, which includes protein predictors and evolutionary conservation, supports that this variant does not alter protein structure/function; Has not been previously published as pathogenic or benign to our knowledge; Not located in one of the three hot-spot regions of the RYR2 gene, where the majority of pathogenic missense variants occur (Medeiros-Domingo et al., 2009).

NM_001035.3(RYR2):c.5332T>G (p.Tyr1778Asp)

Gene: RYR2 (ryanodine receptor 2; plus strand). Cytogenetic location: 1q43.
Variant type: single nucleotide variant.
Coding change: c.5332T>G on transcript NM_001035.3 (MANE Select); coding-DNA position 5332, T replaced by G.
Protein change: p.Tyr1778Asp; replaces tyrosine 1778 with aspartic acid.
Molecular consequence: missense variant.
Genome position (GRCh38, 1-based): chr1:237,614,460, T>G. VCF-style: chr1-237614460-T-G. GRCh37 (hg19) VCF-style: chr1-237777760-T-G.
Other names: short protein forms Y1778D.
Identifiers: ClinVar variation 1216504 (VCV001216504.10), dbSNP rs2148595965, ClinGen allele CA345404803.
Genomic context (GRCh38, chr1:237,614,460, plus strand): 5'-AGGCCACGGATGCAGTTTTCCTCCCCCAGTTTTGTAAGCATTAGTAATGAATGTTACCAG[T>G]ACAGTCCAGAGTTCCCACTGGACATCCTCAAGTCCAAAACCATACAGATGCTGACAGAAG-3'
Protein context (NP_001026.2, residues 1768-1788): FVSISNECYQ[Tyr1778Asp]SPEFPLDILK